The following is an entry in ClinVar:

ClinVar aggregate classification (germline): Uncertain significance (1 of 4 stars; one submission).

Conditions:
Emery-Dreifuss muscular dystrophy 5, autosomal dominant (EDMD5). Also called: EMERY-DREIFUSS MUSCULAR DYSTROPHY 5. Identifiers: Orphanet 261, MedGen C2751805, MONDO:0013072, OMIM 612999.

gnomAD v4.1: 1 of 1,614,162 alleles (0.000062%); highest among the groups gnomAD compares: Admixed American, 0.0017%; no homozygotes.

Submission:

Labcorp Genetics (formerly Invitae), Labcorp
Classification: Uncertain significance for Emery-Dreifuss muscular dystrophy 5, autosomal dominant. Last evaluated: 2024-05-18. Review status: criteria provided, single submitter. Criteria: Invitae Variant Classification Sherloc (09022015). Collection method: clinical testing. Allele origin: germline.
Comment: This sequence change replaces methionine, which is neutral and non-polar, with leucine, which is neutral and non-polar, at codon 6283 of the SYNE2 protein (p.Met6283Leu). This variant is present in population databases (no rsID available, gnomAD 0.003%). This variant has not been reported in the literature in individuals affected with SYNE2-related conditions. An algorithm developed to predict the effect of missense changes on protein structure and function (PolyPhen-2) suggests that this variant is likely to be tolerated. In summary, the available evidence is currently insufficient to determine the role of this variant in disease. Therefore, it has been classified as a Variant of Uncertain Significance.

NM_182914.3(SYNE2):c.18847A>T (p.Met6283Leu)

Gene: SYNE2 (spectrin repeat containing nuclear envelope protein 2; plus strand). Cytogenetic location: 14q23.2.
Variant type: single nucleotide variant.
Coding change: c.18847A>T on transcript NM_182914.3 (MANE Select); coding-DNA position 18847, A replaced by T.
Protein change: p.Met6283Leu; replaces methionine 6283 with leucine.
Molecular consequence: missense variant.
Genome position (GRCh38, 1-based): chr14:64,212,084, A>T. VCF-style: chr14-64212084-A-T. GRCh37 (hg19) VCF-style: chr14-64678802-A-T.
Other names: c.18847A>T, p.Met6283Leu (NM_015180.6); short protein forms M6283L.
Identifiers: ClinVar variation 3668614 (VCV003668614.2).
Genomic context (GRCh38, chr14:64,212,084, plus strand): 5'-GAGATGGACCTGCAGCTGACCAACGTGGAGCACTTCTCAGAGAGTGACGCCGATGACAAG[A>T]TGCGCCAACTGAATGTGAGGGCTGCTGCTTCCCTAGCTCTTCTCAAAAGAACACACCTTT-3'
Protein context (NP_878918.2, residues 6273-6293): HFSESDADDK[Met6283Leu]RQLNGFQQEI